The following is an entry in ClinVar:

NM_020774.4(MIB1):c.2707G>C (p.Val903Leu)

Gene: MIB1 (MIB E3 ubiquitin protein ligase 1; plus strand). Cytogenetic location: 18q11.2.
Variant type: single nucleotide variant.
Coding change: c.2707G>C on transcript NM_020774.4 (MANE Select); coding-DNA position 2707, G replaced by C.
Protein change: p.Val903Leu; replaces valine 903 with leucine.
Molecular consequence: missense variant.
Genome position (GRCh38, 1-based): chr18:21,857,171, G>C. VCF-style: chr18-21857171-G-C. GRCh37 (hg19) VCF-style: chr18-19437132-G-C.
Other names: short protein forms V903L.
Identifiers: ClinVar variation 4844688 (VCV004844688.1).

ClinVar aggregate classification (germline): Uncertain significance (1 of 4 stars; one submission).

Conditions:
Inborn genetic diseases. Identifiers: MedGen C0950123, MeSH D030342.

gnomAD v4.1: 2 of 1,614,186 alleles (0.00012%); highest among the groups gnomAD compares: Non-Finnish European, 0.00017%; no homozygotes.

Submission:

Ambry Genetics
Classification: Uncertain significance for Inborn genetic diseases. Last evaluated: 2026-01-21. Review status: criteria provided, single submitter. Criteria: Ambry Variant Classification Scheme 2023. Collection method: clinical testing. Allele origin: germline.
Comment: The p.V903L variant (also known as c.2707G>C), located in coding exon 19 of the MIB1 gene, results from a G to C substitution at nucleotide position 2707. The valine at codon 903 is replaced by leucine, an amino acid with highly similar properties. This amino acid position is conserved. In addition, the in silico prediction for this alteration is inconclusive. Based on the available evidence, the clinical significance of this variant remains unclear.